The following is an entry in ClinVar:

ClinVar aggregate classification (germline): Uncertain significance (1 of 4 stars; one submission).

Conditions:
Familial hemiplegic migraine. Identifiers: MedGen C0338484, MONDO:0000700.

Submission:

Labcorp Genetics (formerly Invitae), Labcorp
Classification: Uncertain significance for Familial hemiplegic migraine. Last evaluated: 2019-08-29. Review status: criteria provided, single submitter. Criteria: Invitae Variant Classification Sherloc (09022015). Collection method: clinical testing. Allele origin: germline.
Comment: In summary, the available evidence is currently insufficient to determine the role of this variant in disease. Therefore, it has been classified as a Variant of Uncertain Significance. Algorithms developed to predict the effect of sequence changes on RNA splicing suggest that this variant may disrupt the consensus splice site, but this prediction has not been confirmed by published transcriptional studies. Algorithms developed to predict the effect of missense changes on protein structure and function (SIFT, PolyPhen-2, Align-GVGD) all suggest that this variant is likely to be disruptive, but these predictions have not been confirmed by published functional studies and their clinical significance is uncertain. This variant has not been reported in the literature in individuals with ATP1A2-related disease. This variant is not present in population databases (ExAC no frequency). This sequence change replaces glycine with alanine at codon 762 of the ATP1A2 protein (p.Gly762Ala). The glycine residue is highly conserved and there is a small physicochemical difference between glycine and alanine.

NM_000702.4(ATP1A2):c.2285G>C (p.Gly762Ala)

Gene: ATP1A2 (ATPase Na+/K+ transporting subunit alpha 2; plus strand). Cytogenetic location: 1q23.2.
Variant type: single nucleotide variant.
Coding change: c.2285G>C on transcript NM_000702.4 (MANE Select); coding-DNA position 2285, G replaced by C.
Protein change: p.Gly762Ala; replaces glycine 762 with alanine.
Molecular consequence: missense variant.
Genome position (GRCh38, 1-based): chr1:160,135,839, G>C. VCF-style: chr1-160135839-G-C. GRCh37 (hg19) VCF-style: chr1-160105629-G-C.
Other names: short protein forms G762A.
Identifiers: ClinVar variation 529751 (VCV000529751.10), dbSNP rs1461860929, ClinGen allele CA343249859.